The following is an entry in ClinVar:

NM_000061.3(BTK):c.1349+5G>T

Gene: BTK (Bruton tyrosine kinase; minus strand). Cytogenetic location: Xq22.1.
Variant type: single nucleotide variant.
Coding change: c.1349+5G>T on transcript NM_000061.3 (MANE Select); 5 bases into the intron after coding-DNA position 1349, G replaced by T.
Molecular consequence: intron variant.
Genome position (GRCh38, 1-based): chrX:101,356,779, C>A on the plus strand (G>T on the coding strand, the complement: BTK is on the minus strand). VCF-style: chrX-101356779-C-A. GRCh37 (hg19) VCF-style: chrX-100611767-C-A.
Other names: c.1451+5G>T (NM_001287344.2); c.1038+1595G>T (NM_001287345.2).
Identifiers: ClinVar variation 3724305 (VCV003724305.2).

ClinVar aggregate classification (germline): Uncertain significance (1 of 4 stars; one submission).

Conditions:
X-linked agammaglobulinemia with growth hormone deficiency (IGHD3). Also called: Isolated growth hormone deficiency type 3; Growth hormone deficiency with hypogammaglobulinemia; AGAMMAGLOBULINEMIA AND ISOLATED GROWTH HORMONE DEFICIENCY, X-LINKED; FLEISHER SYNDROME; HYPOGAMMAGLOBULINEMIA AND ISOLATED GROWTH HORMONE DEFICIENCY, X-LINKED; IGHD III. Identifiers: Orphanet 231692, Orphanet 631, MedGen C0472813, MONDO:0010615, OMIM 307200.

Submission:

Labcorp Genetics (formerly Invitae), Labcorp
Classification: Uncertain significance for X-linked agammaglobulinemia with growth hormone deficiency. Last evaluated: 2024-08-14. Review status: criteria provided, single submitter. Criteria: Invitae Variant Classification Sherloc (09022015). Collection method: clinical testing. Allele origin: germline.
Comment: This sequence change falls in intron 14 of the BTK gene. It does not directly change the encoded amino acid sequence of the BTK protein. It affects a nucleotide within the consensus splice site. This variant is not present in population databases (gnomAD no frequency). This variant has been observed in individual(s) with agammaglobulinemia (PMID: 9445504). Variants that disrupt the consensus splice site are a relatively common cause of aberrant splicing (PMID: 17576681, 9536098). Algorithms developed to predict the effect of sequence changes on RNA splicing suggest that this variant may disrupt the consensus splice site. In summary, the available evidence is currently insufficient to determine the role of this variant in disease. Therefore, it has been classified as a Variant of Uncertain Significance.

Literature cited by the submitters: PubMed 9445504; PubMed 17576681; PubMed 9536098.